The following is an entry in ClinVar:

ClinVar aggregate classification (germline): Uncertain significance (1 of 4 stars; one submission).

Conditions:
Neurofibromatosis, type 1 (NF1). Also called: VON RECKLINGHAUSEN DISEASE; Neurofibromatosis, type I; NEUROFIBROMATOSIS, TYPE I, SOMATIC; Peripheral type neurofibromatosis. Identifiers: Orphanet 636, MedGen C0027831, MONDO:0018975, OMIM 162200. Disease mechanism: loss of function.

Submission:

Labcorp Genetics (formerly Invitae), Labcorp
Classification: Uncertain significance for Neurofibromatosis, type 1. Last evaluated: 2025-07-22. Review status: criteria provided, single submitter. Criteria: Invitae Variant Classification Sherloc (09022015). Collection method: clinical testing. Allele origin: germline.
Comment: This sequence change replaces methionine, which is neutral and non-polar, with lysine, which is basic and polar, at codon 1023 of the NF1 protein (p.Met1023Lys). This variant is not present in population databases (gnomAD no frequency). This variant has not been reported in the literature in individuals affected with NF1-related conditions. Invitae Evidence Modeling of protein sequence and biophysical properties (such as structural, functional, and spatial information, amino acid conservation, physicochemical variation, residue mobility, and thermodynamic stability) indicates that this missense variant is expected to disrupt NF1 protein function with a positive predictive value of 95%. In summary, the available evidence is currently insufficient to determine the role of this variant in disease. Therefore, it has been classified as a Variant of Uncertain Significance.

NM_001042492.3(NF1):c.3068T>A (p.Met1023Lys)

Gene: NF1 (neurofibromin 1; plus strand). Cytogenetic location: 17q11.2.
Variant type: single nucleotide variant.
Coding change: c.3068T>A on transcript NM_001042492.3 (MANE Select); coding-DNA position 3068, T replaced by A.
Protein change: p.Met1023Lys; replaces methionine 1023 with lysine.
Molecular consequence: missense variant.
Genome position (GRCh38, 1-based): chr17:31,230,337, T>A. VCF-style: chr17-31230337-T-A. GRCh37 (hg19) VCF-style: chr17-29557355-T-A.
Other names: c.3068T>A, p.Met1023Lys (NM_000267.4); short protein forms M1023K.
Identifiers: ClinVar variation 4800740 (VCV004800740.1).